The following is an entry in ClinVar:

ClinVar aggregate classification (germline): Uncertain significance (1 of 4 stars; one submission).

Conditions:
Neuronal ceroid lipofuscinosis. Also called: Neuronal Ceroid Lipofuscinoses. Identifiers: Orphanet 216, Orphanet 79263, MedGen C0027877, MONDO:0016295. Disease mechanism: loss of function.

gnomAD v4.1: 11 of 1,613,806 alleles (0.00068%); highest among the groups gnomAD compares: East Asian, 0.0089%; no homozygotes.

Submission:

Labcorp Genetics (formerly Invitae), Labcorp
Classification: Uncertain significance for Neuronal ceroid lipofuscinosis. Last evaluated: 2026-01-12. Review status: criteria provided, single submitter. Criteria: Invitae Variant Classification Sherloc (09022015). Collection method: clinical testing. Allele origin: germline.
Comment: This sequence change replaces aspartic acid, which is acidic and polar, with tyrosine, which is neutral and polar, at codon 164 of the CLN6 protein (p.Asp164Tyr). This variant is present in population databases (no rsID available, gnomAD 0.02%). This variant has not been reported in the literature in individuals affected with CLN6-related conditions. Invitae Evidence Modeling of protein sequence and biophysical properties (such as structural, functional, and spatial information, amino acid conservation, physicochemical variation, residue mobility, and thermodynamic stability) indicates that this missense variant is not expected to disrupt CLN6 protein function with a negative predictive value of 80%. In summary, the available evidence is currently insufficient to determine the role of this variant in disease. Therefore, it has been classified as a Variant of Uncertain Significance.

NM_017882.3(CLN6):c.490G>T (p.Asp164Tyr)

Gene: CLN6 (CLN6 transmembrane ER protein; minus strand). Cytogenetic location: 15q23.
Variant type: single nucleotide variant.
Coding change: c.490G>T on transcript NM_017882.3 (MANE Select); coding-DNA position 490, G replaced by T.
Protein change: p.Asp164Tyr; replaces aspartic acid 164 with tyrosine.
Molecular consequence: missense variant.
Genome position (GRCh38, 1-based): chr15:68,211,315, C>A on the plus strand (G>T on the coding strand, the complement: CLN6 is on the minus strand). VCF-style: chr15-68211315-C-A. GRCh37 (hg19) VCF-style: chr15-68503653-C-A.
Other names: c.586G>T, p.Asp196Tyr (NM_001411068.1); short protein forms D196Y, D164Y.
Identifiers: ClinVar variation 4738268 (VCV004738268.1).
Genomic context (GRCh38, chr15:68,211,315, plus strand): 5'-TCACTCACCACATGCAGTGACCCAGGTACTCATCATAATAGTAGAGCAGCTCAAAGGAGT[C>A]GATCTGAGGGAGGAACGGGCAGGGCAGAGTCGGGGGATGTCGATGTCAGTCCAGGGAGGT-3'
Protein context (NP_060352.1, residues 154-174): IKNLKPETLI[Asp164Tyr]SFELLYYYDE